The following is an entry in ClinVar:

NM_133433.4(NIPBL):c.5012T>C (p.Phe1671Ser)

Gene: NIPBL (NIPBL cohesin loading factor; plus strand). Cytogenetic location: 5p13.2.
Variant type: single nucleotide variant.
Coding change: c.5012T>C on transcript NM_133433.4 (MANE Select); coding-DNA position 5012, T replaced by C.
Protein change: p.Phe1671Ser; replaces phenylalanine 1671 with serine.
Molecular consequence: missense variant.
Genome position (GRCh38, 1-based): chr5:37,020,460, T>C. VCF-style: chr5-37020460-T-C. GRCh37 (hg19) VCF-style: chr5-37020562-T-C.
Other names: c.5012T>C, p.Phe1671Ser (NM_001438586.1, NM_015384.5); short protein forms F1671S.
Identifiers: ClinVar variation 4714151 (VCV004714151.1).
Genomic context (GRCh38, chr5:37,020,460, plus strand): 5'-TAACTTGGAAATCTTGTTGCTAATTTCATCAAGCTCAAGTCTGTCTAATTTCTTTCCAGT[T>C]TTCTCGTAAATTCTATATAGCCCAGTGGTTTCGAGACACAACTCTGGAAACAGAAAAAGC-3'
Protein context (NP_597677.2, residues 1661-1681): ENTETDPSLV[Phe1671Ser]SRKFYIAQWF

ClinVar aggregate classification (germline): Uncertain significance (1 of 4 stars; one submission).

Conditions:
Cornelia de Lange syndrome 1 (CDLS1). Also called: TYPUS DEGENERATIVUS AMSTELODAMENSIS; NIPBL-Related Cornelia de Lange Syndrome; Brachmann de Lange syndrome. Identifiers: Orphanet 199, MedGen C4551851, MONDO:0007387, OMIM 122470.

Submission:

Labcorp Genetics (formerly Invitae), Labcorp
Classification: Uncertain significance for Cornelia de Lange syndrome 1. Last evaluated: 2025-03-01. Review status: criteria provided, single submitter. Criteria: Invitae Variant Classification Sherloc (09022015). Collection method: clinical testing. Allele origin: germline.
Comment: This sequence change replaces phenylalanine, which is neutral and non-polar, with serine, which is neutral and polar, at codon 1671 of the NIPBL protein (p.Phe1671Ser). This variant is not present in population databases (gnomAD no frequency). This variant has not been reported in the literature in individuals affected with NIPBL-related conditions. An algorithm developed to predict the effect of missense changes on protein structure and function (PolyPhen-2) suggests that this variant is likely to be tolerated. In summary, the available evidence is currently insufficient to determine the role of this variant in disease. Therefore, it has been classified as a Variant of Uncertain Significance.